The following is an entry in ClinVar:

ClinVar aggregate classification (germline): Uncertain significance (1 of 4 stars; one submission).

Conditions:
Neurofibromatosis, type 1 (NF1). Also called: NEUROFIBROMATOSIS, TYPE I, SOMATIC; Peripheral type neurofibromatosis; Neurofibromatosis, type I; VON RECKLINGHAUSEN DISEASE. Identifiers: Orphanet 636, MedGen C0027831, MONDO:0018975, OMIM 162200. Disease mechanism: loss of function.

Submission:

Labcorp Genetics (formerly Invitae), Labcorp
Classification: Uncertain significance for Neurofibromatosis, type 1. Last evaluated: 2023-02-22. Review status: criteria provided, single submitter. Criteria: Invitae Variant Classification Sherloc (09022015). Collection method: clinical testing. Allele origin: germline.
Comment: In summary, the available evidence is currently insufficient to determine the role of this variant in disease. Therefore, it has been classified as a Variant of Uncertain Significance. Advanced modeling of protein sequence and biophysical properties (such as structural, functional, and spatial information, amino acid conservation, physicochemical variation, residue mobility, and thermodynamic stability) has been performed at Invitae for this missense variant, however the output from this modeling did not meet the statistical confidence thresholds required to predict the impact of this variant on NF1 protein function. This variant has not been reported in the literature in individuals affected with NF1-related conditions. This variant is not present in population databases (gnomAD no frequency). This sequence change replaces alanine, which is neutral and non-polar, with valine, which is neutral and non-polar, at codon 2753 of the NF1 protein (p.Ala2753Val).

NM_001042492.3(NF1):c.8321C>T (p.Ala2774Val)

Gene: NF1 (neurofibromin 1; plus strand). Cytogenetic location: 17q11.2.
Variant type: single nucleotide variant.
Coding change: c.8321C>T on transcript NM_001042492.3 (MANE Select); coding-DNA position 8321, C replaced by T.
Protein change: p.Ala2774Val; replaces alanine 2774 with valine.
Molecular consequence: missense variant.
Genome position (GRCh38, 1-based): chr17:31,360,647, C>T. VCF-style: chr17-31360647-C-T. GRCh37 (hg19) VCF-style: chr17-29687665-C-T.
Other names: c.8258C>T, p.Ala2753Val (NM_000267.4); short protein forms A2774V, A2753V.
Identifiers: ClinVar variation 2959107 (VCV002959107.3), dbSNP rs2151588130, ClinGen allele CA399204954.